The following is an entry in ClinVar:

NM_032776.3(JMJD1C):c.4704G>A (p.Met1568Ile)

Gene: JMJD1C (jumonji domain containing 1C; minus strand). Cytogenetic location: 10q21.3.
Variant type: single nucleotide variant.
Coding change: c.4704G>A on transcript NM_032776.3 (MANE Select); coding-DNA position 4704, G replaced by A.
Protein change: p.Met1568Ile; replaces methionine 1568 with isoleucine.
Molecular consequence: missense variant. On other transcripts: non-coding transcript variant (1).
Genome position (GRCh38, 1-based): chr10:63,206,965, C>T on the plus strand (G>A on the coding strand, the complement: JMJD1C is on the minus strand). VCF-style: chr10-63206965-C-T. GRCh37 (hg19) VCF-style: chr10-64966725-C-T.
Other names: c.4158G>A, p.Met1386Ile (NM_001282948.2, NM_001318154.2); c.3840G>A, p.Met1280Ile (NM_001318153.2); c.4590G>A, p.Met1530Ile (NM_001322252.2); c.4047G>A, p.Met1349Ile (NM_001322254.2, NM_001322258.2); short protein forms M1349I, M1530I, M1386I, M1568I, M1280I.
Identifiers: ClinVar variation 842540 (VCV000842540.11), dbSNP rs775870728, ClinGen allele CA5518225.

ClinVar aggregate classification (germline): Conflicting classifications of pathogenicity. Review status: criteria provided, conflicting classifications (1 of 4 stars). 2 submissions from 2 submitters: Uncertain significance (1); Likely benign (1). Last evaluated 2026-06-01.

Conditions:
Early Myoclonic Encephalopathy. Identifiers: MedGen C0270855.

Allele frequency attached by ClinVar (database versions not stated): gnomAD exomes below 0.00001; ExAC 0.00001.

Submissions (2):

CeGaT Center for Human Genetics Tuebingen
Classification: Likely benign. Last evaluated: 2026-06-01. Review status: criteria provided, single submitter. Criteria: CeGaT Center For Human Genetics Tuebingen Variant Classification Criteria Version 2. Collection method: clinical testing. Allele origin: germline. Affected: yes. Observed: 1 variant allele.
Comment: JMJD1C: BP4

Labcorp Genetics (formerly Invitae), Labcorp
Classification: Uncertain significance for Early Myoclonic Encephalopathy. Last evaluated: 2020-10-06. Review status: criteria provided, single submitter. Criteria: Invitae Variant Classification Sherloc (09022015). Collection method: clinical testing. Allele origin: germline.
Comment: This sequence change replaces methionine with isoleucine at codon 1568 of the JMJD1C protein (p.Met1568Ile). The methionine residue is moderately conserved and there is a small physicochemical difference between methionine and isoleucine. The frequency data for this variant in the population databases is considered unreliable, as metrics indicate poor data quality at this position in the ExAC database. In summary, the available evidence is currently insufficient to determine the role of this variant in disease. Therefore, it has been classified as a Variant of Uncertain Significance. Algorithms developed to predict the effect of missense changes on protein structure and function output the following: SIFT: "Tolerated"; PolyPhen-2: "Benign"; Align-GVGD: "Class C0". The isoleucine amino acid residue is found in multiple mammalian species, suggesting that this missense change does not adversely affect protein function. These predictions have not been confirmed by published functional studies and their clinical significance is uncertain. This variant has not been reported in the literature in individuals with JMJD1C-related conditions.